The following is an entry in ClinVar:

ClinVar aggregate classification (germline): Conflicting classifications of pathogenicity. Review status: criteria provided, conflicting classifications (1 of 4 stars). 2 submissions from 2 submitters: Uncertain significance (1); Benign (1). Last evaluated 2025-10-19.

Conditions:
Hereditary cancer-predisposing syndrome. Also called: Tumor predisposition; Hereditary Cancer Syndrome; Neoplastic Syndromes, Hereditary; Hereditary neoplastic syndrome. Identifiers: Orphanet 140162, MedGen C0027672, MeSH D009386, MONDO:0015356.
Tuberous sclerosis 2 (TSC2). Identifiers: Orphanet 805, MedGen C1860707, MONDO:0013199, OMIM 613254.

gnomAD v4.1: 1 of 1,612,974 alleles (0.000062%); highest among the groups gnomAD compares: Middle Eastern, 0.017%; no homozygotes.

Submissions (2):

Ambry Genetics
Classification: Uncertain significance for Hereditary cancer-predisposing syndrome. Last evaluated: 2025-10-19. Review status: criteria provided, single submitter. Criteria: Ambry Variant Classification Scheme 2023. Collection method: clinical testing. Allele origin: germline.
Comment: The p.V982A variant (also known as c.2945T>C), located in coding exon 25 of the TSC2 gene, results from a T to C substitution at nucleotide position 2945. The valine at codon 982 is replaced by alanine, an amino acid with similar properties. This amino acid position is conserved. In addition, this alteration is predicted to be deleterious by in silico analysis. Based on the available evidence, the clinical significance of this variant remains unclear.

Labcorp Genetics (formerly Invitae), Labcorp
Classification: Benign for Tuberous sclerosis 2. Last evaluated: 2025-04-17. Review status: criteria provided, single submitter. Criteria: Invitae Variant Classification Sherloc (09022015). Collection method: clinical testing. Allele origin: germline.

NM_000548.5(TSC2):c.2945T>C (p.Val982Ala)

Gene: TSC2 (TSC complex subunit 2; plus strand). Cytogenetic location: 16p13.3.
Variant type: single nucleotide variant.
Coding change: c.2945T>C on transcript NM_000548.5 (MANE Select); coding-DNA position 2945, T replaced by C.
Protein change: p.Val982Ala; replaces valine 982 with alanine.
Molecular consequence: missense variant. On other transcripts: intron variant (31).
Genome position (GRCh38, 1-based): chr16:2,077,705, T>C. VCF-style: chr16-2077705-T-C. GRCh37 (hg19) VCF-style: chr16-2127706-T-C.
Other names: c.2798T>C, p.Val933Ala (NM_001406676.1, NM_001406675.1); c.2345T>C, p.Val782Ala (NM_001406680.1, NM_001406682.1, NM_001406683.1 and 1 more transcripts); c.1601T>C, p.Val534Ala (NM_001406689.1); c.1493+1120T>C (NM_001406693.1, NM_001406690.1, NM_001406692.1 and 5 more transcripts); c.2927+1120T>C (NM_001406667.1, NM_001406668.1); c.2237+1120T>C (NM_001406687.1, NM_001406685.1, NM_001318831.2 and 2 more transcripts); c.1235+1120T>C (NM_001406698.1); c.2837+1120T>C (NM_021055.3, NM_001370405.1, NM_001363528.2 and 3 more transcripts); and 8 more; short protein forms V982A, V782A, V945A, V534A, V933A.
Identifiers: ClinVar variation 4557025 (VCV004557025.2).